The following is an entry in ClinVar:

ClinVar aggregate classification (germline): Uncertain significance (1 of 4 stars; one submission).

Conditions:
Multiple congenital anomalies-hypotonia-seizures syndrome 3 (MCAHS3). Also called: GLYCOSYLPHOSPHATIDYLINOSITOL BIOSYNTHESIS DEFECT 7. Identifiers: Orphanet 369837, MedGen C3809356, MONDO:0014165, OMIM 615398.

Submission:

Labcorp Genetics (formerly Invitae), Labcorp
Classification: Uncertain significance for Multiple congenital anomalies-hypotonia-seizures syndrome 3. Last evaluated: 2023-08-10. Review status: criteria provided, single submitter. Criteria: Invitae Variant Classification Sherloc (09022015). Collection method: clinical testing. Allele origin: germline.
Comment: Information on the frequency of this variant in the gnomAD database is not available, as this variant may be reported differently in the database. In summary, the available evidence is currently insufficient to determine the role of this variant in disease. Therefore, it has been classified as a Variant of Uncertain Significance. Experimental studies and prediction algorithms are not available or were not evaluated, and the functional significance of this variant is currently unknown. ClinVar contains an entry for this variant (Variation ID: 2074479). This variant has not been reported in the literature in individuals affected with PIGT-related conditions. This sequence change replaces glycine, which is neutral and non-polar, with serine, which is neutral and polar, at codon 541 of the PIGT protein (p.Gly541Ser).

NM_015937.6(PIGT):c.1620_1621inv (p.Gly541Ser)

Gene: PIGT (phosphatidylinositol glycan anchor biosynthesis class T; plus strand). Cytogenetic location: 20q13.12.
Variant type: Inversion.
Coding change: c.1620_1621inv on transcript NM_015937.6 (MANE Select).
Protein change: p.Gly541Ser; replaces glycine 541 with serine.
Molecular consequence: missense variant. On other transcripts: non-coding transcript variant (5).
Genome position: GRCh38 VCF-style: chr20-45425709-TG-CA. GRCh37 (hg19) VCF-style: chr20-44054349-TG-CA.
Other names: c.1452_1453inv, p.Gly485Ser (NM_001184728.3); c.1419_1420inv, p.Gly474Ser (NM_001184729.3); c.1314_1315inv, p.Gly439Ser (NM_001184730.3); short protein forms G474S, G439S, G541S, G485S.
Identifiers: ClinVar variation 2074479 (VCV002074479.4), ClinGen allele CA2580098311.
Genomic context (GRCh38, chr20:45,425,709, plus strand): 5'-GGACTTCAGCATGCCCTACAACGTGATCTGCCTCACGTGCACTGTGGTGGCCGTGTGCTA[TG>CA]GCTCCTTCTACAATCTCCTCACCCGAACCTTCCACATCGAGGAGCCCCGCACAGGTGGCC-3'
Protein context (NP_057021.2, residues 531-551): LTCTVVAVCY[Gly541Ser]SFYNLLTRTF